The following is an entry in ClinVar:

NM_003392.7(WNT5A):c.215T>G (p.Leu72Arg)

Gene: WNT5A (Wnt family member 5A; minus strand). Cytogenetic location: 3p14.3.
Variant type: single nucleotide variant.
Coding change: c.215T>G on transcript NM_003392.7 (MANE Select); coding-DNA position 215, T replaced by G.
Protein change: p.Leu72Arg; replaces leucine 72 with arginine.
Molecular consequence: missense variant.
Genome position (GRCh38, 1-based): chr3:55,479,490, A>C on the plus strand (T>G on the coding strand, the complement: WNT5A is on the minus strand). VCF-style: chr3-55479490-A-C. GRCh37 (hg19) VCF-style: chr3-55513518-A-C.
Other names: c.170T>G, p.Leu57Arg (NM_001256105.1, NM_001377271.1, NM_001377272.1); short protein forms L57R, L72R.
Identifiers: ClinVar variation 4992998 (VCV004992998.1).

ClinVar aggregate classification (germline): Uncertain significance (1 of 4 stars; one submission).

Conditions:
WNT5A-related disorder. Also called: WNT5A-related condition.

Submission:

PreventionGenetics, part of Exact Sciences
Classification: Uncertain significance for WNT5A-related condition. Last evaluated: 2026-03-19. Review status: criteria provided, single submitter. Criteria: ACMG Guidelines, 2015. Collection method: clinical testing. Allele origin: germline.
Comment: The WNT5A c.215T>G variant is predicted to result in the amino acid substitution p.Leu72Arg. To our knowledge, this variant has not been reported in the literature or in a large population database (gnomAD), indicating this variant is rare. At this time, the clinical significance of this variant is uncertain due to the absence of conclusive functional and genetic evidence.